The following is an entry in ClinVar:

NM_177438.3(DICER1):c.3614A>G (p.Tyr1205Cys)

Gene: DICER1 (dicer 1, ribonuclease III; minus strand). Cytogenetic location: 14q32.13.
Variant type: single nucleotide variant.
Coding change: c.3614A>G on transcript NM_177438.3 (MANE Select); coding-DNA position 3614, A replaced by G.
Protein change: p.Tyr1205Cys; replaces tyrosine 1205 with cysteine.
Molecular consequence: missense variant. On other transcripts: non-coding transcript variant (6).
Genome position (GRCh38, 1-based): chr14:95,103,782, T>C on the plus strand (A>G on the coding strand, the complement: DICER1 is on the minus strand). VCF-style: chr14-95103782-T-C. GRCh37 (hg19) VCF-style: chr14-95570119-T-C.
Other names: c.3614A>G, p.Tyr1205Cys (NM_001195573.1, NM_001271282.3, NM_001291628.2 and 12 more transcripts); c.3332A>G, p.Tyr1111Cys (NM_001395686.1); c.3209A>G, p.Tyr1070Cys (NM_001395687.1, NM_001395688.1, NM_001395689.1 and 2 more transcripts); c.3047A>G, p.Tyr1016Cys (NM_001395691.1); c.1931A>G, p.Tyr644Cys (NM_001395697.1); short protein forms Y1016C, Y644C, Y1070C, Y1205C, Y1111C.
Identifiers: ClinVar variation 3501956 (VCV003501956.2).
Genomic context (GRCh38, chr14:95,103,782, plus strand): 5'-TAACTGTATAAATTCTGAATGGAATATGAGGTAGTTGGTTGCACGGGTATTTCCTGCTTG[T>C]AGTAATTTAGCTGATTTCCTTGGCAAAAGTCTCTGTTAGCTAAATCATAACTGCCATTGG-3'
Protein context (NP_803187.1, residues 1195-1215): DFCQGNQLNY[Tyr1205Cys]KQEIPVQPTT

ClinVar aggregate classification (germline): Uncertain significance. Review status: criteria provided, multiple submitters, no conflicts (2 of 4 stars). 2 submissions from 2 submitters: Uncertain significance (2). Last evaluated 2025-12-29.

Conditions:
Hereditary cancer-predisposing syndrome. Also called: Tumor predisposition; Neoplastic Syndromes, Hereditary; Hereditary Cancer Syndrome; Hereditary neoplastic syndrome. Identifiers: Orphanet 140162, MedGen C0027672, MeSH D009386, MONDO:0015356.

Submissions (2):

Center for Genomic Medicine, Rigshospitalet, Copenhagen University Hospital
Classification: Uncertain significance. Last evaluated: 2025-12-29. Review status: criteria provided, single submitter. Criteria: ACMG Guidelines, 2015. Collection method: clinical testing. Allele origin: germline.
Comment: Classification criteria: BP4, , PM2_supporting

Ambry Genetics
Classification: Uncertain significance for Hereditary cancer-predisposing syndrome. Last evaluated: 2024-11-16. Review status: criteria provided, single submitter. Criteria: Ambry Variant Classification Scheme 2023. Collection method: clinical testing. Allele origin: germline.
Comment: The p.Y1205C variant (also known as c.3614A>G), located in coding exon 20 of the DICER1 gene, results from an A to G substitution at nucleotide position 3614. The tyrosine at codon 1205 is replaced by cysteine, an amino acid with highly dissimilar properties. This amino acid position is conserved. In addition, this alteration is predicted to be tolerated by in silico analysis. Based on the available evidence, the clinical significance of this variant remains unclear.